The following is an entry in ClinVar:

NM_018975.4(TERF2IP):c.176C>G (p.Pro59Arg)

Gene: TERF2IP (TERF2 interacting protein; plus strand). Cytogenetic location: 16q23.1.
Variant type: single nucleotide variant.
Coding change: c.176C>G on transcript NM_018975.4 (MANE Select); coding-DNA position 176, C replaced by G.
Protein change: p.Pro59Arg; replaces proline 59 with arginine.
Molecular consequence: missense variant. On other transcripts: non-coding transcript variant (1).
Genome position (GRCh38, 1-based): chr16:75,648,058, C>G. VCF-style: chr16-75648058-C-G. GRCh37 (hg19) VCF-style: chr16-75681956-C-G.
Other names: short protein forms P59R.
Identifiers: ClinVar variation 1779758 (VCV001779758.2), dbSNP rs2082314277, ClinGen allele CA396817382.

ClinVar aggregate classification (germline): Uncertain significance (1 of 4 stars; one submission).

Allele frequency attached by ClinVar (database versions not stated): gnomAD 0.00001.

Submission:

Ambry Genetics
Classification: Uncertain significance. Last evaluated: 2022-10-04. Review status: criteria provided, single submitter. Criteria: Ambry Variant Classification Scheme 2023. Collection method: clinical testing. Allele origin: germline.
Comment: The p.P59R variant (also known as c.176C>G), located in coding exon 1 of the TERF2IP gene, results from a C to G substitution at nucleotide position 176. The proline at codon 59 is replaced by arginine, an amino acid with dissimilar properties. This amino acid position is conserved. In addition, this alteration is predicted to be tolerated by in silico analysis. Since supporting evidence is limited at this time, the clinical significance of this alteration remains unclear.